The following is an entry in ClinVar:

ClinVar aggregate classification (germline): Uncertain significance (1 of 4 stars; one submission).

Allele frequency attached by ClinVar (database versions not stated): gnomAD exomes below 0.00001; gnomAD 0.00001.
gnomAD v4.1: 5 of 1,606,982 alleles (0.00031%); highest among the groups gnomAD compares: Non-Finnish European, 0.00043%; no homozygotes.

Submission:

Labcorp Genetics (formerly Invitae), Labcorp
Classification: Uncertain significance. Last evaluated: 2022-11-08. Review status: criteria provided, single submitter. Criteria: Invitae Variant Classification Sherloc (09022015). Collection method: clinical testing. Allele origin: germline.
Comment: In summary, the available evidence is currently insufficient to determine the role of this variant in disease. Therefore, it has been classified as a Variant of Uncertain Significance. Advanced modeling of protein sequence and biophysical properties (such as structural, functional, and spatial information, amino acid conservation, physicochemical variation, residue mobility, and thermodynamic stability) performed at Invitae indicates that this missense variant is not expected to disrupt KMT2A protein function. ClinVar contains an entry for this variant (Variation ID: 1377772). This variant has not been reported in the literature in individuals affected with KMT2A-related conditions. This variant is present in population databases (no rsID available, gnomAD 0.007%). This sequence change replaces serine, which is neutral and polar, with threonine, which is neutral and polar, at codon 1440 of the KMT2A protein (p.Ser1440Thr).

NM_001197104.2(KMT2A):c.4319G>C (p.Ser1440Thr)

Gene: KMT2A (lysine methyltransferase 2A; plus strand). Cytogenetic location: 11q23.3.
Variant type: single nucleotide variant.
Coding change: c.4319G>C on transcript NM_001197104.2 (MANE Select); coding-DNA position 4319, G replaced by C.
Protein change: p.Ser1440Thr; replaces serine 1440 with threonine.
Molecular consequence: missense variant.
Genome position (GRCh38, 1-based): chr11:118,484,962, G>C. VCF-style: chr11-118484962-G-C. GRCh37 (hg19) VCF-style: chr11-118355677-G-C.
Other names: c.4319G>C, p.Ser1440Thr (NM_005933.4); short protein forms S1440T.
Identifiers: ClinVar variation 1377772 (VCV001377772.8), dbSNP rs1555040472, ClinGen allele CA382831045.
Genomic context (GRCh38, chr11:118,484,962, plus strand): 5'-TAGGAATCTTGACTTCTGTTCCTATAACACCCAGGGTGGTTTGCTTTCTCTGTGCCAGTA[G>C]TGGGCATGTAGAGGTAAGGCATCCTGCTTCTTTGTACCCCAGGAAGTACATAAATTATTT-3'
Protein context (NP_001184033.1, residues 1430-1450): PRVVCFLCAS[Ser1440Thr]GHVEFVYCQV